The following is an entry in ClinVar:

NM_152618.3(BBS12):c.760G>T (p.Glu254Ter)

Gene: BBS12 (Bardet-Biedl syndrome 12; plus strand). Cytogenetic location: 4q27.
Variant type: single nucleotide variant.
Coding change: c.760G>T on transcript NM_152618.3 (MANE Select); coding-DNA position 760, G replaced by T.
Protein change: p.Glu254Ter; replaces glutamic acid 254 with a stop codon.
Molecular consequence: nonsense.
Genome position (GRCh38, 1-based): chr4:122,742,652, G>T. VCF-style: chr4-122742652-G-T. GRCh37 (hg19) VCF-style: chr4-123663807-G-T.
Other names: c.760G>T, p.Glu254Ter (NM_001178007.2); short protein forms E254*.
Identifiers: ClinVar variation 555983 (VCV000555983.14), dbSNP rs1553941304, ClinGen allele CA358223637.
Genomic context (GRCh38, chr4:122,742,652, plus strand): 5'-AGTAGGCATTTTAATAGGACAGATAATACTGAAGGGGTAAGCAAACCAGATGGATTTCAA[G>T]AACATGTTACAGCTACTCACAAAACTTACAGATGTAATGATTTGGTAGAGTTGGCAGTAG-3'

ClinVar aggregate classification (germline): Pathogenic/Likely pathogenic. Review status: criteria provided, multiple submitters, no conflicts (2 of 4 stars). 5 submissions from 5 submitters: Pathogenic (1); Likely pathogenic (3). 1 of the submissions does not count toward it. Last evaluated 2025-06-18.

Conditions:
BBS12-related disorder. Also called: BBS12-related condition.
Bardet-Biedl syndrome (BBS). Identifiers: Orphanet 110, MedGen C0752166, MONDO:0015229.
Bardet-Biedl syndrome 12 (BBS12). Identifiers: Orphanet 110, MedGen C1859570, MONDO:0014440, OMIM 615989.

Allele frequency attached by ClinVar (database versions not stated): TOPMed below 0.00001.
gnomAD v4.1: 1 of 1,614,226 alleles (0.000062%); highest among the groups gnomAD compares: Non-Finnish European, 0.000085%; no homozygotes.

Submissions (5):

Natera, Inc.
Classification: Likely pathogenic for Bardet-Biedl syndrome type 12. Last evaluated: 2025-06-18. Review status: criteria provided, single submitter. Criteria: Natera Variant Classification Schema (03/2026). Collection method: clinical testing. Allele origin: germline.
Comment: The c.760G>T variant in BBS12 is a nonsense variant predicted to introduce a stop codon at amino acid 254. This variant is expected to result in nonsense mediated decay, truncation, or a dysfunctional protein product. This variant is rare in the general population with a frequency below the threshold expected for the associated phenotype(s). Given the available evidence, this variant is classified as Likely Pathogenic.

Labcorp Genetics (formerly Invitae), Labcorp
Classification: Pathogenic for Bardet-Biedl syndrome. Last evaluated: 2023-12-27. Review status: criteria provided, single submitter. Criteria: Invitae Variant Classification Sherloc (09022015). Collection method: clinical testing. Allele origin: germline.
Comment: This sequence change creates a premature translational stop signal (p.Glu254*) in the BBS12 gene. While this is not anticipated to result in nonsense mediated decay, it is expected to disrupt the last 457 amino acid(s) of the BBS12 protein. This variant is not present in population databases (gnomAD no frequency). This variant has not been reported in the literature in individuals affected with BBS12-related conditions. ClinVar contains an entry for this variant (Variation ID: 555983). Algorithms developed to predict the effect of sequence changes on RNA splicing suggest that this variant may create or strengthen a splice site. This variant disrupts a region of the BBS12 protein in which other variant(s) (p.Asp687Valfs*3) have been determined to be pathogenic (Invitae). This suggests that this is a clinically significant region of the protein, and that variants that disrupt it are likely to be disease-causing. For these reasons, this variant has been classified as Pathogenic.

Baylor Genetics
Classification: Likely pathogenic for Bardet-Biedl syndrome 12. Last evaluated: 2023-09-29. Review status: criteria provided, single submitter. Criteria: ACMG Guidelines, 2015. Collection method: clinical testing. Allele origin: unknown.

Blueprint Genetics
Classification: Likely pathogenic for BBS12-related disorders. Last evaluated: 2021-07-30. Review status: criteria provided, single submitter. Criteria: ACMG Guidelines, 2015. Collection method: clinical testing. Allele origin: germline. Affected: yes. Observed: 2 variant alleles.

Counsyl
Classification: Likely pathogenic for Bardet-Biedl syndrome 12. Last evaluated: 2018-01-05. Review status: no assertion criteria provided. Collection method: clinical testing. Allele origin: unknown. Not counted in ClinVar's aggregate classification.